The following is an entry in ClinVar:

NM_206933.4(USH2A):c.13979C>A (p.Pro4660Gln)

Gene: USH2A (usherin; minus strand). Cytogenetic location: 1q41.
Variant type: single nucleotide variant.
Coding change: c.13979C>A on transcript NM_206933.4 (MANE Select); coding-DNA position 13979, C replaced by A.
Protein change: p.Pro4660Gln; replaces proline 4660 with glutamine.
Molecular consequence: missense variant.
Genome position (GRCh38, 1-based): chr1:215,671,126, G>T on the plus strand (C>A on the coding strand, the complement: USH2A is on the minus strand). VCF-style: chr1-215671126-G-T. GRCh37 (hg19) VCF-style: chr1-215844468-G-T.
Other names: short protein forms P4660Q.
Identifiers: ClinVar variation 954530 (VCV000954530.11), dbSNP rs761367363, ClinGen allele CA1393169.

ClinVar aggregate classification (germline): Conflicting classifications of pathogenicity. Review status: criteria provided, conflicting classifications (1 of 4 stars). 4 submissions from 4 submitters: Pathogenic (1); Likely pathogenic (1); Uncertain significance (1). 1 of the submissions does not count toward it. Last evaluated 2025-10-10.

Conditions:
USH2A-related disorder. Also called: USH2A-related disorders; USH2A-related condition. Identifiers: MedGen CN239332.
Usher syndrome type 2A. Also called: RETINAL DISEASE IN USHER SYNDROME TYPE IIA, MODIFIER OF; USHER SYNDROME, TYPE IIA. Identifiers: Orphanet 231178, Orphanet 886, MedGen C1848634, MONDO:0010169, OMIM 276901.

Allele frequency attached by ClinVar (database versions not stated): TOPMed 0.00001.
gnomAD v4.1: 3 of 1,613,858 alleles (0.00019%); highest among the groups gnomAD compares: South Asian, 0.0011%; no homozygotes.

Submissions (4):

Women's Health and Genetics/Laboratory Corporation of America, LabCorp
Classification: Uncertain significance. Last evaluated: 2025-10-10. Review status: criteria provided, single submitter. Criteria: LabCorp Variant Classification Summary - May 2015. Collection method: clinical testing. Allele origin: germline.
Comment: Variant summary: USH2A c.13979C>A (p.Pro4660Gln) results in a non-conservative amino acid change in the encoded protein sequence. Algorithms developed to predict the effect of missense changes on protein structure and function all suggest that this variant is likely to be disruptive. The variant allele was found at a frequency of 8e-06 in 251296 control chromosomes. The available data on variant occurrences in the general population are insufficient to allow any conclusion about variant significance. c.13979C>A has been observed in individual(s) affected with Usher Syndrome (internal_data). These data do not allow any conclusion about variant significance. To our knowledge, no experimental evidence demonstrating an impact on protein function has been reported. ClinVar contains an entry for this variant (Variation ID: 954530). Based on the evidence outlined above, the variant was classified as uncertain significance.

Labcorp Genetics (formerly Invitae), Labcorp
Classification: Pathogenic. Last evaluated: 2025-02-19. Review status: criteria provided, single submitter. Criteria: Invitae Variant Classification Sherloc (09022015). Collection method: clinical testing. Allele origin: germline.
Comment: This sequence change replaces proline, which is neutral and non-polar, with glutamine, which is neutral and polar, at codon 4660 of the USH2A protein (p.Pro4660Gln). This variant is present in population databases (rs761367363, gnomAD 0.002%). This missense change has been observed in individual(s) with clinical features of retinitis pigmentosa (internal data). In at least one individual the data is consistent with being in trans (on the opposite chromosome) from a pathogenic variant. ClinVar contains an entry for this variant (Variation ID: 954530). Invitae Evidence Modeling of protein sequence and biophysical properties (such as structural, functional, and spatial information, amino acid conservation, physicochemical variation, residue mobility, and thermodynamic stability) indicates that this missense variant is expected to disrupt USH2A protein function with a positive predictive value of 95%. This variant disrupts the p.Pro4660 amino acid residue in USH2A. Other variant(s) that disrupt this residue have been determined to be pathogenic (internal data). This suggests that this residue is clinically significant, and that variants that disrupt this residue are likely to be disease-causing. For these reasons, this variant has been classified as Pathogenic.

Blueprint Genetics
Classification: Likely pathogenic for USH2A-related disorders. Last evaluated: 2019-07-25. Review status: criteria provided, single submitter. Criteria: ACMG Guidelines, 2015. Collection method: clinical testing. Allele origin: germline. Affected: yes. Observed: 1 variant allele.

Natera, Inc.
Classification: Uncertain significance for Usher syndrome type 2A. Last evaluated: 2020-03-27. Review status: no assertion criteria provided. Collection method: clinical testing. Allele origin: germline. Not counted in ClinVar's aggregate classification.